The following is an entry in ClinVar:

ClinVar aggregate classification (germline): Uncertain significance. Review status: criteria provided, multiple submitters, no conflicts (2 of 4 stars). 2 submissions from 2 submitters: Uncertain significance (2). Last evaluated 2026-09-11.

Conditions:
Familial cancer of breast. Also called: Hereditary breast cancer; BREAST CANCER, FAMILIAL; hereditary breast carcinoma. Identifiers: Orphanet 227535, MedGen C0346153, MONDO:0016419, OMIM 114480. Disease mechanism: loss of function.
Hereditary cancer-predisposing syndrome. Also called: Tumor predisposition; Hereditary Cancer Syndrome; Hereditary neoplastic syndrome; Neoplastic Syndromes, Hereditary. Identifiers: Orphanet 140162, MedGen C0027672, MeSH D009386, MONDO:0015356.

Submissions (2):

Ambry Genetics
Classification: Uncertain significance for Hereditary cancer-predisposing syndrome. Last evaluated: 2026-09-11. Review status: criteria provided, single submitter. Criteria: Ambry Variant Classification Scheme 2023. Collection method: clinical testing. Allele origin: germline.
Comment: The p.V504F variant (also known as c.1510G>T), located in coding exon 4 of the PALB2 gene, results from a G to T substitution at nucleotide position 1510. The valine at codon 504 is replaced by phenylalanine, an amino acid with highly similar properties. This amino acid position is conserved. In addition, this alteration is predicted to be tolerated by in silico analysis. Based on the available evidence, the clinical significance of this variant remains unclear.

Labcorp Genetics (formerly Invitae), Labcorp
Classification: Uncertain significance for Familial cancer of breast. Last evaluated: 2022-02-17. Review status: criteria provided, single submitter. Criteria: Invitae Variant Classification Sherloc (09022015). Collection method: clinical testing. Allele origin: germline.
Comment: In summary, the available evidence is currently insufficient to determine the role of this variant in disease. Therefore, it has been classified as a Variant of Uncertain Significance. This sequence change replaces valine, which is neutral and non-polar, with phenylalanine, which is neutral and non-polar, at codon 504 of the PALB2 protein (p.Val504Phe). This variant is not present in population databases (gnomAD no frequency). This variant has not been reported in the literature in individuals affected with PALB2-related conditions. Algorithms developed to predict the effect of missense changes on protein structure and function are either unavailable or do not agree on the potential impact of this missense change (SIFT: "Tolerated"; PolyPhen-2: "Possibly Damaging"; Align-GVGD: "Class C0").

NM_024675.4(PALB2):c.1510G>T (p.Val504Phe)

Gene: PALB2 (partner and localizer of BRCA2; minus strand). Cytogenetic location: 16p12.2.
Variant type: single nucleotide variant.
Coding change: c.1510G>T on transcript NM_024675.4 (MANE Select); coding-DNA position 1510, G replaced by T.
Protein change: p.Val504Phe; replaces valine 504 with phenylalanine.
Molecular consequence: missense variant.
Genome position (GRCh38, 1-based): chr16:23,635,036, C>A on the plus strand (G>T on the coding strand, the complement: PALB2 is on the minus strand). VCF-style: chr16-23635036-C-A. GRCh37 (hg19) VCF-style: chr16-23646357-C-A.
Other names: c.1450G>T, p.Val484Phe (NM_001407296.1); c.1510G>T, p.Val504Phe (NM_001407297.1, NM_001407298.1, NM_001407299.1 and 3 more transcripts); c.625G>T, p.Val209Phe (NM_001407304.1, NM_001407305.1, NM_001407306.1 and 5 more transcripts); short protein forms V484F, V209F, V504F.
Identifiers: ClinVar variation 2097878 (VCV002097878.6), dbSNP rs771846754, ClinGen allele CA395131017.